The following is an entry in ClinVar:

NM_003482.4(KMT2D):c.851A>G (p.Asn284Ser)

Gene: KMT2D (lysine methyltransferase 2D; minus strand). Cytogenetic location: 12q13.12.
Variant type: single nucleotide variant.
Coding change: c.851A>G on transcript NM_003482.4 (MANE Select); coding-DNA position 851, A replaced by G.
Protein change: p.Asn284Ser; replaces asparagine 284 with serine.
Molecular consequence: missense variant.
Genome position (GRCh38, 1-based): chr12:49,053,310, T>C on the plus strand (A>G on the coding strand, the complement: KMT2D is on the minus strand). VCF-style: chr12-49053310-T-C. GRCh37 (hg19) VCF-style: chr12-49447093-T-C.
Other names: short protein forms N284S.
Identifiers: ClinVar variation 1511861 (VCV001511861.8), dbSNP rs2120694885, ClinGen allele CA384680272.

ClinVar aggregate classification (germline): Uncertain significance (1 of 4 stars; one submission).

Conditions:
Kabuki syndrome. Also called: NIIKAWA-KUROKI SYNDROME; Kabuki make-up syndrome. Identifiers: Orphanet 2322, MedGen C0796004, MONDO:0016512.

Submission:

Labcorp Genetics (formerly Invitae), Labcorp
Classification: Uncertain significance for Kabuki syndrome. Last evaluated: 2024-04-30. Review status: criteria provided, single submitter. Criteria: Invitae Variant Classification Sherloc (09022015). Collection method: clinical testing. Allele origin: germline.
Comment: This sequence change replaces asparagine, which is neutral and polar, with serine, which is neutral and polar, at codon 284 of the KMT2D protein (p.Asn284Ser). This variant is not present in population databases (gnomAD no frequency). This variant has not been reported in the literature in individuals affected with KMT2D-related conditions. ClinVar contains an entry for this variant (Variation ID: 1511861). Advanced modeling of protein sequence and biophysical properties (such as structural, functional, and spatial information, amino acid conservation, physicochemical variation, residue mobility, and thermodynamic stability) performed at Invitae indicates that this missense variant is not expected to disrupt KMT2D protein function with a negative predictive value of 95%. In summary, the available evidence is currently insufficient to determine the role of this variant in disease. Therefore, it has been classified as a Variant of Uncertain Significance.